The following is an entry in ClinVar:

NM_133259.4(LRPPRC):c.1547C>T (p.Ala516Val)

Gene: LRPPRC (leucine rich pentatricopeptide repeat containing; minus strand). Cytogenetic location: 2p21.
Variant type: single nucleotide variant.
Coding change: c.1547C>T on transcript NM_133259.4 (MANE Select); coding-DNA position 1547, C replaced by T.
Protein change: p.Ala516Val; replaces alanine 516 with valine.
Molecular consequence: missense variant.
Genome position (GRCh38, 1-based): chr2:43,960,576, G>A on the plus strand (C>T on the coding strand, the complement: LRPPRC is on the minus strand). VCF-style: chr2-43960576-G-A. GRCh37 (hg19) VCF-style: chr2-44187715-G-A.
Other names: short protein forms A516V.
Identifiers: ClinVar variation 1032386 (VCV001032386.4), dbSNP rs1294325794, ClinGen allele CA346678736.

ClinVar aggregate classification (germline): Uncertain significance. Review status: criteria provided, multiple submitters, no conflicts (2 of 4 stars). 3 submissions from 3 submitters: Uncertain significance (3). Last evaluated 2024-10-15.

Conditions:
Inborn genetic diseases. Identifiers: MedGen C0950123, MeSH D030342.
Congenital lactic acidosis, Saguenay-Lac-Saint-Jean type (MC4DN5). Also called: CYTOCHROME c OXIDASE DEFICIENCY, FRENCH CANADIAN TYPE; COX DEFICIENCY, FRENCH CANADIAN TYPE; MITOCHONDRIAL COMPLEX IV DEFICIENCY, NUCLEAR TYPE 5. Identifiers: Orphanet 70472, MedGen C1857355, MONDO:0009069, OMIM 220111.

Allele frequency attached by ClinVar (database versions not stated): gnomAD 0.00001; gnomAD exomes 0.00001; TOPMed 0.00002.
gnomAD v4.1: 13 of 1,604,824 alleles (0.00081%); highest among the groups gnomAD compares: Non-Finnish European, 0.001%; no homozygotes.

Submissions (3):

Labcorp Genetics (formerly Invitae), Labcorp
Classification: Uncertain significance. Last evaluated: 2024-10-15. Review status: criteria provided, single submitter. Criteria: Invitae Variant Classification Sherloc (09022015). Collection method: clinical testing. Allele origin: germline.
Comment: This sequence change replaces alanine, which is neutral and non-polar, with valine, which is neutral and non-polar, at codon 516 of the LRPPRC protein (p.Ala516Val). This variant is present in population databases (no rsID available, gnomAD 0.002%). This variant has not been reported in the literature in individuals affected with LRPPRC-related conditions. ClinVar contains an entry for this variant (Variation ID: 1032386). Invitae Evidence Modeling of protein sequence and biophysical properties (such as structural, functional, and spatial information, amino acid conservation, physicochemical variation, residue mobility, and thermodynamic stability) indicates that this missense variant is not expected to disrupt LRPPRC protein function with a negative predictive value of 80%. In summary, the available evidence is currently insufficient to determine the role of this variant in disease. Therefore, it has been classified as a Variant of Uncertain Significance.

Ambry Genetics
Classification: Uncertain significance for Inborn genetic diseases. Last evaluated: 2024-09-10. Review status: criteria provided, single submitter. Criteria: Ambry Variant Classification Scheme 2023. Collection method: clinical testing. Allele origin: germline.

Baylor Genetics
Classification: Uncertain significance for Congenital lactic acidosis, Saguenay-Lac-Saint-Jean type. Last evaluated: 2018-04-27. Review status: criteria provided, single submitter. Criteria: ACMG Guidelines, 2015. Collection method: clinical testing. Allele origin: maternal. Affected: yes.
Comment: This variant was determined to be of uncertain significance according to ACMG Guidelines, 2015 [PMID:25741868].